The following is an entry in ClinVar:

ClinVar aggregate classification (germline): Uncertain significance. Review status: criteria provided, multiple submitters, no conflicts (2 of 4 stars). 4 submissions from 4 submitters: Uncertain significance (3). 1 of the submissions does not count toward it. Last evaluated 2025-10-13.

Conditions:
Usher syndrome type 1B (USH1B). Also called: Usher syndrome type IB. Identifiers: MedGen C1848638, MONDO:0700087.
MYO7A-related disorder. Also called: MYO7A-related disorders.

Allele frequency attached by ClinVar (database versions not stated): gnomAD exomes below 0.00001 and 0.00001; TOPMed 0.00001.
gnomAD v4.1: 1 of 1,548,000 alleles (0.000065%); highest among the groups gnomAD compares: Admixed American, 0.002%; no homozygotes.

Submissions (4):

Labcorp Genetics (formerly Invitae), Labcorp
Classification: Uncertain significance. Last evaluated: 2025-10-13. Review status: criteria provided, single submitter. Criteria: Invitae Variant Classification Sherloc (09022015). Collection method: clinical testing. Allele origin: germline.
Comment: This sequence change replaces lysine, which is basic and polar, with glutamine, which is neutral and polar, at codon 1727 of the MYO7A protein (p.Lys1727Gln). This variant is present in population databases (no rsID available, gnomAD 0.004%). This variant has not been reported in the literature in individuals affected with MYO7A-related conditions. ClinVar contains an entry for this variant (Variation ID: 1035553). Invitae Evidence Modeling of protein sequence and biophysical properties (such as structural, functional, and spatial information, amino acid conservation, physicochemical variation, residue mobility, and thermodynamic stability) indicates that this missense variant is not expected to disrupt MYO7A protein function with a negative predictive value of 95%. In summary, the available evidence is currently insufficient to determine the role of this variant in disease. Therefore, it has been classified as a Variant of Uncertain Significance.

PreventionGenetics, part of Exact Sciences
Classification: Uncertain significance for MYO7A-related condition. Last evaluated: 2025-07-15. Review status: criteria provided, single submitter. Criteria: ACMG Guidelines, 2015. Collection method: clinical testing. Allele origin: germline.
Comment: The MYO7A c.5179A>C variant is predicted to result in the amino acid substitution p.Lys1727Gln. To our knowledge, this variant has not been reported in the literature. This variant is reported in 0.0041% of alleles in individuals of Latino descent in gnomAD. At this time, the clinical significance of this variant is uncertain due to the absence of conclusive functional and genetic evidence.

Blueprint Genetics
Classification: Uncertain significance. Last evaluated: 2024-05-14. Review status: criteria provided, single submitter. Criteria: ACMG Guidelines, 2015. Collection method: clinical testing. Allele origin: germline.

Natera, Inc.
Classification: Uncertain significance for Usher syndrome type 1B. Last evaluated: 2020-02-13. Review status: no assertion criteria provided. Collection method: clinical testing. Allele origin: germline. Not counted in ClinVar's aggregate classification.

NM_000260.4(MYO7A):c.5179A>C (p.Lys1727Gln)

Gene: MYO7A (myosin VIIA; plus strand). Cytogenetic location: 11q13.5.
Variant type: single nucleotide variant.
Coding change: c.5179A>C on transcript NM_000260.4 (MANE Select); coding-DNA position 5179, A replaced by C.
Protein change: p.Lys1727Gln; replaces lysine 1727 with glutamine.
Molecular consequence: missense variant.
Genome position (GRCh38, 1-based): chr11:77,203,070, A>C. VCF-style: chr11-77203070-A-C. GRCh37 (hg19) VCF-style: chr11-76914115-A-C.
Other names: c.5065A>C, p.Lys1689Gln (NM_001127180.2); c.5032A>C, p.Lys1678Gln (NM_001369365.1); c.5179A>C (NM_000260.3); short protein forms K1689Q, K1727Q, K1678Q.
Identifiers: ClinVar variation 1035553 (VCV001035553.11), dbSNP rs1187644045, ClinGen allele CA381951994.